The following is an entry in ClinVar:

ClinVar aggregate classification (germline): Uncertain significance. Review status: criteria provided, multiple submitters, no conflicts (2 of 4 stars). 2 submissions from 2 submitters: Uncertain significance (2). Last evaluated 2025-01-27.

Conditions:
Intellectual disability, autosomal recessive 53 (NEDHSCA). Also called: GLYCOSYLPHOSPHATIDYLINOSITOL BIOSYNTHESIS DEFECT 13; NEURODEVELOPMENTAL DISORDER WITH OR WITHOUT HYPOTONIA, SEIZURES, AND CEREBELLAR ATROPHY; Mental retardation, autosomal recessive 53. Identifiers: Orphanet 488635, MedGen C4310794, MONDO:0014832, OMIM 616917.

Allele frequency attached by ClinVar (database versions not stated): TOPMed 0.00001.
gnomAD v4.1: 4 of 1,614,140 alleles (0.00025%); highest among the groups gnomAD compares: Admixed American, 0.0067%; no homozygotes.

Submissions (2):

Labcorp Genetics (formerly Invitae), Labcorp
Classification: Uncertain significance for Intellectual disability, autosomal recessive 53. Last evaluated: 2025-01-27. Review status: criteria provided, single submitter. Criteria: Invitae Variant Classification Sherloc (09022015). Collection method: clinical testing. Allele origin: germline.
Comment: This sequence change replaces asparagine, which is neutral and polar, with serine, which is neutral and polar, at codon 859 of the PIGG protein (p.Asn859Ser). This variant is present in population databases (rs745840866, gnomAD 0.01%). This variant has not been reported in the literature in individuals affected with PIGG-related conditions. ClinVar contains an entry for this variant (Variation ID: 570517). Invitae Evidence Modeling of protein sequence and biophysical properties (such as structural, functional, and spatial information, amino acid conservation, physicochemical variation, residue mobility, and thermodynamic stability) indicates that this missense variant is expected to disrupt PIGG protein function with a positive predictive value of 80%. In summary, the available evidence is currently insufficient to determine the role of this variant in disease. Therefore, it has been classified as a Variant of Uncertain Significance.

Baylor Genetics
Classification: Uncertain significance for Intellectual disability, autosomal recessive 53. Last evaluated: 2018-03-22. Review status: criteria provided, single submitter. Criteria: ACMG Guidelines, 2015. Collection method: clinical testing. Allele origin: paternal. Affected: yes.
Comment: This variant was determined to be of uncertain significance according to ACMG Guidelines, 2015 [PMID:25741868].

NM_001127178.3(PIGG):c.2576A>G (p.Asn859Ser)

Gene: PIGG (phosphatidylinositol glycan anchor biosynthesis class G (EMM blood group); plus strand). Cytogenetic location: 4p16.3.
Variant type: single nucleotide variant.
Coding change: c.2576A>G on transcript NM_001127178.3 (MANE Select); coding-DNA position 2576, A replaced by G.
Protein change: p.Asn859Ser; replaces asparagine 859 with serine.
Molecular consequence: missense variant. On other transcripts: non-coding transcript variant (10).
Genome position (GRCh38, 1-based): chr4:533,822, A>G. VCF-style: chr4-533822-A-G. GRCh37 (hg19) VCF-style: chr4-527611-A-G.
Other names: c.2309A>G, p.Asn770Ser (NM_001289051.2, NM_001345986.2); c.2177A>G, p.Asn726Ser (NM_001289052.2); c.2285A>G, p.Asn762Ser (NM_001345987.2); c.1547A>G, p.Asn516Ser (NM_001345988.2); c.1043A>G, p.Asn348Ser (NM_001345990.2, NM_001345991.2); c.1478A>G, p.Asn493Ser (NM_001345994.2); c.2552A>G, p.Asn851Ser (NM_017733.5); short protein forms N859S, N493S, N516S, N770S, N851S, N348S, N726S, N762S.
Identifiers: ClinVar variation 570517 (VCV000570517.9), dbSNP rs745840866, ClinGen allele CA2793683.